The following is an entry in ClinVar:

NM_005435.4(ARHGEF5):c.4452G>A (p.Thr1484=)

Gene: ARHGEF5 (Rho guanine nucleotide exchange factor 5; plus strand). Cytogenetic location: 7q35.
Variant type: single nucleotide variant.
Coding change: c.4452G>A on transcript NM_005435.4 (MANE Select); coding-DNA position 4452, G replaced by A.
Protein change: p.Thr1484=; no amino-acid change (threonine 1484 retained).
Molecular consequence: synonymous variant.
Genome position (GRCh38, 1-based): chr7:144,375,667, G>A. VCF-style: chr7-144375667-G-A. GRCh37 (hg19) VCF-style: chr7-144072760-G-A.
Identifiers: ClinVar variation 3905204 (VCV003905204.10).

ClinVar aggregate classification (germline): Likely benign (1 of 4 stars; one submission).

Submission:

CeGaT Center for Human Genetics Tuebingen
Classification: Likely benign. Last evaluated: 2025-09-01. Review status: criteria provided, single submitter. Criteria: CeGaT Center For Human Genetics Tuebingen Variant Classification Criteria Version 2. Collection method: clinical testing. Allele origin: germline. Affected: yes. Observed: 2 variant alleles.
Comment: ARHGEF5: BP4, BP7